The following is an entry in ClinVar:

NM_020166.5(MCCC1):c.956G>A (p.Gly319Glu)

Gene: MCCC1 (methylcrotonyl-CoA carboxylase subunit 1; minus strand). Cytogenetic location: 3q27.1.
Variant type: single nucleotide variant.
Coding change: c.956G>A on transcript NM_020166.5 (MANE Select); coding-DNA position 956, G replaced by A.
Protein change: p.Gly319Glu; replaces glycine 319 with glutamic acid.
Molecular consequence: missense variant. On other transcripts: non-coding transcript variant (2).
Genome position (GRCh38, 1-based): chr3:183,045,540, C>T on the plus strand (G>A on the coding strand, the complement: MCCC1 is on the minus strand). VCF-style: chr3-183045540-C-T. GRCh37 (hg19) VCF-style: chr3-182763328-C-T.
Other names: c.605G>A, p.Gly202Glu (NM_001293273.2); c.629G>A, p.Gly210Glu (NM_001363880.1); short protein forms G319E, G202E, G210E.
Identifiers: ClinVar variation 1430368 (VCV001430368.9), dbSNP rs2108486818, ClinGen allele CA355325538.
Genomic context (GRCh38, chr3:183,045,540, plus strand): 5'-CTTGTATTCATCTCCATGAAACAGAAATTATGTTTTGAGTCCATAATAAACTCCACAGTC[C>T]CTAAAAGGTAAAAAACAATGGTCATATTCAATAGTGTATAATCAGTAGCAAACCAAAATC-3'
Protein context (NP_064551.3, residues 309-329): AAKAVNYVGA[Gly319Glu]TVEFIMDSKH

ClinVar aggregate classification (germline): Uncertain significance (1 of 4 stars; one submission).

Conditions:
3-methylcrotonyl-CoA carboxylase 1 deficiency (MCC1D). Also called: MCC 1 deficiency; 3 Alpha methylcrotonylglycinuria 1; MCCD TYPE 1; METHYLCROTONYLGLYCINURIA TYPE I. Identifiers: Orphanet 6, MedGen CN028786, MONDO:0008861, OMIM 210200.

Submissions (2):

Labcorp Genetics (formerly Invitae), Labcorp
Classification: Uncertain significance for 3-methylcrotonyl-CoA carboxylase 1 deficiency. Last evaluated: 2021-04-05. Review status: criteria provided, single submitter. Criteria: Invitae Variant Classification Sherloc (09022015). Collection method: clinical testing. Allele origin: germline.
Comment: In summary, the available evidence is currently insufficient to determine the role of this variant in disease. Therefore, it has been classified as a Variant of Uncertain Significance. Algorithms developed to predict the effect of missense changes on protein structure and function (SIFT, PolyPhen-2, Align-GVGD) all suggest that this variant is likely to be disruptive, but these predictions have not been confirmed by published functional studies and their clinical significance is uncertain. This variant has been observed in individual(s) with 3-methylcrotonyl-CoA carboxylase deficiency (Invitae). This variant is not present in population databases (ExAC no frequency). This sequence change replaces glycine with glutamic acid at codon 319 of the MCCC1 protein (p.Gly319Glu). The glycine residue is highly conserved and there is a moderate physicochemical difference between glycine and glutamic acid. Algorithms developed to predict the effect of sequence changes on RNA splicing suggest that this variant may create or strengthen a splice site, but this prediction has not been confirmed by published transcriptional studies.

Dr. Peter K. Rogan Lab, Western University
No classification provided (evidence only). Condition: Malignant tumor of urinary bladder. Review status: no classification provided. Collection method: in vitro. Allele origin: not applicable. Functional consequence: retained intron. Not counted in ClinVar's aggregate classification.